The following is an entry in ClinVar:

ClinVar aggregate classification (germline): Likely pathogenic. Review status: criteria provided, multiple submitters, no conflicts (2 of 4 stars). 2 submissions from 2 submitters: Likely pathogenic (2). Last evaluated 2024-09-15.

Conditions:
Dilated cardiomyopathy 1G (CMD1G). Identifiers: Orphanet 154, MedGen C1858763, MONDO:0011400, OMIM 604145.
Autosomal recessive limb-girdle muscular dystrophy type 2J (LGMDR10). Also called: Limb-girdle muscular dystrophy, type 2J; MUSCULAR DYSTROPHY, LIMB-GIRDLE, AUTOSOMAL RECESSIVE 10. Identifiers: Orphanet 140922, MedGen C1837342, MONDO:0012127, OMIM 608807.
TTN-related disorder. Also called: TTN-related condition; TTN-related disease; TTN-related disorders.

Submissions (2):

Labcorp Genetics (formerly Invitae), Labcorp
Classification: Likely pathogenic for Dilated cardiomyopathy 1G; Autosomal recessive limb-girdle muscular dystrophy type 2J. Last evaluated: 2024-09-15. Review status: criteria provided, single submitter. Criteria: Invitae Variant Classification Sherloc (09022015). Collection method: clinical testing. Allele origin: germline.
Comment: This sequence change creates a premature translational stop signal (p.Lys4058*) in the TTN gene. While this is not anticipated to result in nonsense mediated decay, it is expected to create a truncated TTN protein. This variant is not present in population databases (gnomAD no frequency). This variant has not been reported in the literature in individuals affected with TTN-related conditions. This variant is located in the I band of TTN (PMID: 25589632). Truncating variants in this region have been reported in individuals affected with autosomal recessive centronuclear myopathy (PMID: 23975875, internal data). Truncating variants in this region have also been identified in individuals affected with autosomal dominant dilated cardiomyopathy and/or cardio-related conditions (PMID: 27869827, 32964742, internal data). In summary, the currently available evidence indicates that the variant is pathogenic, but additional data are needed to prove that conclusively. Therefore, this variant has been classified as Likely Pathogenic.

Blueprint Genetics
Classification: Likely pathogenic for TTN-related disorders. Last evaluated: 2023-09-16. Review status: criteria provided, single submitter. Criteria: ACMG Guidelines, 2015. Collection method: clinical testing. Allele origin: germline. Affected: yes. Observed: 1 variant allele.

Literature cited by the submitters: PubMed 25589632 (cited by Labcorp Genetics (formerly Invitae), Labcorp); PubMed 23975875 (cited by Labcorp Genetics (formerly Invitae), Labcorp); PubMed 27869827 (cited by Labcorp Genetics (formerly Invitae), Labcorp); PubMed 32964742 (cited by Labcorp Genetics (formerly Invitae), Labcorp).

NM_001267550.2(TTN):c.12172A>T (p.Lys4058Ter)

Gene: TTN (titin; minus strand). Cytogenetic location: 2q31.2.
Variant type: single nucleotide variant.
Coding change: c.12172A>T on transcript NM_001267550.2 (MANE Select); coding-DNA position 12172, A replaced by T.
Protein change: p.Lys4058Ter; replaces lysine 4058 with a stop codon.
Molecular consequence: nonsense. On other transcripts: intron variant (1).
Genome position (GRCh38, 1-based): chr2:178,741,061, T>A on the plus strand (A>T on the coding strand, the complement: TTN is on the minus strand). VCF-style: chr2-178741061-T-A. GRCh37 (hg19) VCF-style: chr2-179605788-T-A.
Other names: c.11221A>T, p.Lys3741Ter (NM_001256850.1); c.11083A>T, p.Lys3695Ter (NM_003319.4); c.11458A>T, p.Lys3820Ter (NM_133432.3); c.11659A>T, p.Lys3887Ter (NM_133437.4); c.10361-2701A>T (NM_133378.4); short protein forms K3695*, K3741*, K3820*, K3887*, K4058*.
Identifiers: ClinVar variation 3758833 (VCV003758833.3).